The following is an entry in ClinVar:

NM_005045.4(RELN):c.8378G>A (p.Cys2793Tyr)

Genes: RELN (reelin; minus strand), SLC26A5-AS1 (SLC26A5 antisense RNA 1; plus strand). Cytogenetic location: 7q22.1.
Variant type: single nucleotide variant.
Coding change: c.8378G>A on transcript NM_005045.4 (MANE Select); coding-DNA position 8378, G replaced by A.
Protein change: p.Cys2793Tyr; replaces cysteine 2793 with tyrosine.
Molecular consequence: missense variant.
Genome position (GRCh38, 1-based): chr7:103,503,127, C>T on the plus strand (G>A on the coding strand, the complement: RELN is on the minus strand). VCF-style: chr7-103503127-C-T. GRCh37 (hg19) VCF-style: chr7-103143574-C-T.
Other names: c.8378G>A, p.Cys2793Tyr (NM_173054.3); short protein forms C2793Y.
Identifiers: ClinVar variation 655060 (VCV000655060.8), dbSNP rs774015567, ClinGen allele CA4420486.

ClinVar aggregate classification (germline): Uncertain significance (1 of 4 stars; one submission).

Conditions:
Familial temporal lobe epilepsy 7. Identifiers: Orphanet 101046, MedGen C4225327, MONDO:0014639, OMIM 616436.
Norman-Roberts syndrome (LIS2). Also called: Lissencephaly 2 (Norman-Roberts type). Identifiers: Orphanet 89844, MedGen C0796089, MONDO:0009760, OMIM 257320.

Allele frequency attached by ClinVar (database versions not stated): gnomAD exomes 0.00001 and below 0.00001; TOPMed below 0.00001; ExAC 0.00001.
gnomAD v4.1: 5 of 1,614,166 alleles (0.00031%); highest among the groups gnomAD compares: Admixed American, 0.005%; no homozygotes.

Submission:

Labcorp Genetics (formerly Invitae), Labcorp
Classification: Uncertain significance for Familial temporal lobe epilepsy 7; Norman-Roberts syndrome. Last evaluated: 2024-11-11. Review status: criteria provided, single submitter. Criteria: Invitae Variant Classification Sherloc (09022015). Collection method: clinical testing. Allele origin: germline.
Comment: This sequence change replaces cysteine, which is neutral and slightly polar, with tyrosine, which is neutral and polar, at codon 2793 of the RELN protein (p.Cys2793Tyr). This variant is present in population databases (rs774015567, gnomAD 0.009%). This variant has not been reported in the literature in individuals affected with RELN-related conditions. ClinVar contains an entry for this variant (Variation ID: 655060). Invitae Evidence Modeling of protein sequence and biophysical properties (such as structural, functional, and spatial information, amino acid conservation, physicochemical variation, residue mobility, and thermodynamic stability) indicates that this missense variant is not expected to disrupt RELN protein function with a negative predictive value of 80%. In summary, the available evidence is currently insufficient to determine the role of this variant in disease. Therefore, it has been classified as a Variant of Uncertain Significance.